The following is an entry in ClinVar:

NM_014244.5(ADAMTS2):c.85delinsGCGTT (p.Pro29fs)

Gene: ADAMTS2 (ADAM metallopeptidase with thrombospondin type 1 motif 2; minus strand). Cytogenetic location: 5q35.3.
Variant type: Indel.
Coding change: c.85delinsGCGTT on transcript NM_014244.5 (MANE Select); coding-DNA position 85, C replaced by GCGTT.
Protein change: p.Pro29fs; shifts the reading frame from proline 29.
Molecular consequence: frameshift variant.
Genome position (GRCh38, 1-based): chr5:179,345,244, G replaced by AACGC on the plus strand (C replaced by GCGTT on the coding strand, the reverse complement: ADAMTS2 is on the minus strand). VCF-style: chr5-179345244-G-AACGC. GRCh37 (hg19) VCF-style: chr5-178772245-G-AACGC.
Other names: c.85delinsGCGTT, p.Pro29fs (NM_021599.4); short protein forms P29fs.
Identifiers: ClinVar variation 5010534 (VCV005010534.1).
Genomic context (GRCh38, chr5:179,345,244, plus strand): 5'-ACCTACCTGGGGGGTCGGCGGCGGCGGCGAGCCTGGCGTTCGCGGGCGGCGGCGGCGGCG[G>AACGC]CAGGAGCGGCGGCGGCAGCAGCAGCAGCAGCAGCAGCAGCGCGGGGCAGAGCAGGCGGCG-3'

ClinVar aggregate classification (germline): Pathogenic (1 of 4 stars; one submission).

Conditions:
Ehlers-Danlos syndrome, dermatosparaxis type. Also called: EDS VIIC; Dermatosparaxis; Ehlers-Danlos syndrome, type VII, autosomal recessive. Identifiers: Orphanet 1901, MedGen C2700425, MONDO:0009161, OMIM 225410.

Submission:

Myriad Genetics, Inc.
Classification: Pathogenic for Ehlers-Danlos syndrome, dermatosparaxis type. Last evaluated: 2024-05-14. Review status: criteria provided, single submitter. Criteria: Myriad Autosomal Dominant, Autosomal Recessive and X-Linked Classification Criteria (2023). Collection method: clinical testing. Allele origin: unknown.
Comment: NM_014244.4(ADAMTS2):c.85del1ins5(P29Afs*38) is expected to be pathogenic in the context of Ehlers-Danlos syndrome, ADAMTS2-related. This variant is predicted to lead to an abnormal or absent protein product due to the creation of a premature termination codon in ADAMTS2, a gene where loss-of-function variants are known to be pathogenic. Please note: this variant was assessed in the context of healthy population screening.